The following is an entry in ClinVar:

ClinVar aggregate classification (germline): Likely pathogenic (1 of 4 stars; one submission).

Submission:

Center for Genomic Medicine, Rigshospitalet, Copenhagen University Hospital
Classification: Likely pathogenic. Last evaluated: 2025-12-29. Review status: criteria provided, single submitter. Criteria: ACMG Guidelines, 2015. Collection method: clinical testing. Allele origin: germline.
Comment: Classification criteria: PVS1, PM2_supp

NM_000038.6(APC):c.2311del (p.Glu771fs)

Gene: APC (APC regulator of Wnt signaling pathway; plus strand). Cytogenetic location: 5q22.2.
Variant type: Deletion.
Coding change: c.2311del on transcript NM_000038.6 (MANE Select); coding-DNA position 2311, one base deleted (G; older notation c.2311delG).
Protein change: p.Glu771fs; shifts the reading frame from glutamic acid 771.
Molecular consequence: frameshift variant. On other transcripts: non-coding transcript variant (2).
Genome position (GRCh38, 1-based): chr5:112,837,905, G deleted. VCF-style (leftmost placement, unchanged base first): chr5-112837904-AG-A. GRCh37 (hg19) VCF-style: chr5-112173601-AG-A.
Other names: c.2311del, p.Glu771fs (NM_001127510.3, NM_001354895.2, NM_001407450.1); c.2257del, p.Glu753fs (NM_001127511.3); c.2365del, p.Glu789fs (NM_001354896.2, NM_001407447.1, NM_001407448.1 and 1 more transcripts); c.2341del, p.Glu781fs (NM_001354897.2); c.2236del, p.Glu746fs (NM_001354898.2); c.2227del, p.Glu743fs (NM_001354899.2); c.2188del, p.Glu730fs (NM_001354900.2); c.2134del, p.Glu712fs (NM_001354901.2, NM_001407453.1); and 12 more; short protein forms E387fs, E488fs, E611fs, E642fs, E645fs, E670fs, E680fs, E688fs.
Identifiers: ClinVar variation 4539457 (VCV004539457.1).